The following is an entry in ClinVar:

ClinVar aggregate classification (germline): Likely benign (1 of 4 stars; one submission).

Conditions:
MET-related disorder. Also called: MET-related condition.

gnomAD v4.1: 10 of 1,613,416 alleles (0.00062%); highest among the groups gnomAD compares: East Asian, 0.0022%; no homozygotes.

Submission:

PreventionGenetics, part of Exact Sciences
Classification: Likely benign for MET-related condition. Last evaluated: 2025-11-18. Review status: criteria provided, single submitter. Criteria: ACMG Guidelines, 2015. Collection method: clinical testing. Allele origin: germline.
Comment: This variant is classified as likely benign based on ACMG/AMP sequence variant interpretation guidelines (Richards et al. 2015 PMID: 25741868, with internal and published modifications).

NM_000245.4(MET):c.2730+27T>C

Gene: MET (MET proto-oncogene, receptor tyrosine kinase; plus strand). Cytogenetic location: 7q31.2.
Variant type: single nucleotide variant.
Coding change: c.2730+27T>C on transcript NM_000245.4 (MANE Select); 27 bases into the intron after coding-DNA position 2730, T replaced by C.
Molecular consequence: intron variant. On other transcripts: synonymous variant (1).
Genome position (GRCh38, 1-based): chr7:116,769,818, T>C. VCF-style: chr7-116769818-T-C. GRCh37 (hg19) VCF-style: chr7-116409872-T-C.
Other names: c.2757T>C, p.Asp919= (NM_001324401.3); c.2784+27T>C (NM_001127500.3); c.1440+27T>C (NM_001324402.2).
Identifiers: ClinVar variation 4990683 (VCV004990683.1).
Genomic context (GRCh38, chr7:116,769,818, plus strand): 5'-CCTGCTGAAATTGAACAGCGAGCTAAATATAGAGGTGGGATTCCTGCATTCCTCTCATGA[T>C]GTAAATAAGGAAGCCAGTGTAATTATGTTATTCTCAGGCTTAAAATAAATCATTAAAGCT-3'